The following is an entry in ClinVar:

ClinVar aggregate classification (germline): Uncertain significance (1 of 4 stars; one submission).

Conditions:
Combined immunodeficiency due to LRBA deficiency. Also called: Common variable immunodeficiency 8, with autoimmunity. Identifiers: Orphanet 445018, MedGen C3553512, MONDO:0013863, OMIM 614700.

gnomAD v4.1: 2 of 1,614,100 alleles (0.00012%); highest among the groups gnomAD compares: South Asian, 0.0011%; no homozygotes.

Submission:

Labcorp Genetics (formerly Invitae), Labcorp
Classification: Uncertain significance for Combined immunodeficiency due to LRBA deficiency. Last evaluated: 2024-02-26. Review status: criteria provided, single submitter. Criteria: Invitae Variant Classification Sherloc (09022015). Collection method: clinical testing. Allele origin: germline.
Comment: This sequence change replaces glycine, which is neutral and non-polar, with valine, which is neutral and non-polar, at codon 1633 of the LRBA protein (p.Gly1633Val). This variant is not present in population databases (gnomAD no frequency). This variant has not been reported in the literature in individuals affected with LRBA-related conditions. ClinVar contains an entry for this variant (Variation ID: 2049983). Advanced modeling of protein sequence and biophysical properties (such as structural, functional, and spatial information, amino acid conservation, physicochemical variation, residue mobility, and thermodynamic stability) performed at Invitae indicates that this missense variant is not expected to disrupt LRBA protein function with a negative predictive value of 80%. In summary, the available evidence is currently insufficient to determine the role of this variant in disease. Therefore, it has been classified as a Variant of Uncertain Significance.

NM_001364905.1(LRBA):c.4898G>T (p.Gly1633Val)

Gene: LRBA (LPS responsive beige-like anchor protein; minus strand). Cytogenetic location: 4q31.3.
Variant type: single nucleotide variant.
Coding change: c.4898G>T on transcript NM_001364905.1 (MANE Select); coding-DNA position 4898, G replaced by T.
Protein change: p.Gly1633Val; replaces glycine 1633 with valine.
Molecular consequence: missense variant.
Genome position (GRCh38, 1-based): chr4:150,828,453, C>A on the plus strand (G>T on the coding strand, the complement: LRBA is on the minus strand). VCF-style: chr4-150828453-C-A. GRCh37 (hg19) VCF-style: chr4-151749605-C-A.
Other names: c.4898G>T, p.Gly1633Val (NM_001199282.3, NM_001367550.1, NM_006726.5); short protein forms G1633V.
Identifiers: ClinVar variation 2049983 (VCV002049983.3), dbSNP rs2546422635, ClinGen allele CA358444093.
Genomic context (GRCh38, chr4:150,828,453, plus strand): 5'-TCCGGAGACTTATTGACTTCTAAAGAAAGAGTAGATAGCACCTCGCTGATTGCATCTGGG[C>A]CTGCACTGACACCAGGAGGTGCTGTGTGAGGAGTTACTTCCACATGGCTTCCTAAACCAG-3'
Protein context (NP_001351834.1, residues 1623-1643): PHTAPPGVSA[Gly1633Val]PDAISEVLST